The following is an entry in ClinVar:

ClinVar aggregate classification (germline): Pathogenic. Review status: criteria provided, multiple submitters, no conflicts (2 of 4 stars). 15 submissions from 13 submitters: Pathogenic (13). 2 of the submissions do not count toward it. Last evaluated 2026-04-20.

Conditions:
SPG11-related disorder. Also called: SPG11-related condition.
Charcot-Marie-Tooth disease axonal type 2X. Also called: CHARCOT-MARIE-TOOTH DISEASE, AXONAL, AUTOSOMAL RECESSIVE, TYPE 2X; CHARCOT-MARIE-TOOTH NEUROPATHY, TYPE 2X. Identifiers: Orphanet 466775, MedGen C5569024, MONDO:0014726, OMIM 616668.
Hereditary spastic paraplegia 11. Also called: SPASTIC PARAPLEGIA, AUTOSOMAL RECESSIVE, COMPLICATED, WITH THIN CORPUS CALLOSUM; SPASTIC PARAPLEGIA, AUTOSOMAL RECESSIVE, WITH MENTAL IMPAIRMENT AND THIN CORPUS CALLOSUM; Spastic Paraplegia 11; Spastic paraplegia, mental retardation and thin corpus callosum; Nakamura Osame syndrome; Autosomal recessive hereditary spastic paraplegia, mental impairment, and thin corpus callosum. Identifiers: Orphanet 2822, MedGen C1858479, MONDO:0011445, OMIM 604360.
Amyotrophic lateral sclerosis type 5 (ALS5). Also called: AMYOTROPHIC LATERAL SCLEROSIS 5, JUVENILE. Identifiers: Orphanet 300605, MedGen C1865864, MONDO:0011196, OMIM 602099.

Allele frequency attached by ClinVar (database versions not stated): gnomAD exomes below 0.00001 and 0.00001.
gnomAD v4.1: 4 of 1,614,004 alleles (0.00025%); highest among the groups gnomAD compares: South Asian, 0.0033%; no homozygotes.

Submissions (15):

PreventionGenetics, part of Exact Sciences
Classification: Pathogenic for SPG11-related condition. Last evaluated: 2026-04-20. Review status: criteria provided, single submitter. Criteria: ACMG Guidelines, 2015. Collection method: clinical testing. Allele origin: germline.
Comment: The SPG11 c.267G>A variant is predicted to result in premature protein termination (p.Trp89*). This variant has been reported in the homozygous or compound heterozygous state in individuals with autosomal recessive spastic paraplegia (Hehr et al. 2007. PubMed ID: 18067136; Orlacchio et al. 2010. PubMed ID: 20110243; Kara et al. 2016. PubMed ID: 27217339; Utz et al. 2022. PubMed ID: 35906604). This variant is reported in 0.0033% of alleles in individuals of South Asian descent in gnomAD. Nonsense variants in SPG11 are expected to be pathogenic. This variant is interpreted as pathogenic.

Victorian Clinical Genetics Services, Murdoch Childrens Research Institute
Classification: Pathogenic for Hereditary spastic paraplegia 11. Last evaluated: 2024-09-21. Review status: criteria provided, single submitter. Criteria: ACMG Guidelines, 2015. Collection method: clinical testing. Allele origin: germline. Inheritance: Autosomal recessive inheritance.
Comment: Based on the classification scheme VCGS_Germline_v1.3.4, this variant is classified as Pathogenic. Following criteria are met: 0102 - Loss of function is a known mechanism of disease in this gene and is associated with hereditary spastic paraplegia 11 (HSP; MONDO#0011445). (I) 0106 - This gene is associated with autosomal recessive disease. (I) 0201 - Variant is predicted to cause nonsense-mediated decay (NMD) and loss of protein (premature termination codon is located at least 54 nucleotides upstream of the final exon-exon junction). (SP) 0304 - Variant is present in gnomAD <0.01 for a recessive condition (v2: 1 heterozygote, 0 homozygotes). (SP) 0701 - Other NMD-predicted variant comparable to the one identified in this case have very strong previous evidence for pathogenicity (DECIPHER). (SP) 0801 - This variant has strong previous evidence of pathogenicity in unrelated individuals. It has been reported in individuals, both as homozygotes and compound heterozygotes, with HSP (PMID: 35906604) and classified as pathogenic by diagnostic laboratories in ClinVar. (SP) Legend: (SP) - Supporting pathogenic, (I) - Information, (SB) - Supporting benign

Fulgent Genetics
Classification: Pathogenic for Amyotrophic lateral sclerosis type 5; Hereditary spastic paraplegia 11; Charcot-Marie-Tooth disease axonal type 2X. Last evaluated: 2024-04-13. Review status: criteria provided, single submitter. Criteria: ACMG Guidelines, 2015. Collection method: clinical testing. Allele origin: germline.

Foundation for Research in Genetics and Endocrinology, FRIGE's Institute of Human Genetics
Classification: Pathogenic for Charcot-Marie-Tooth disease axonal type 2X. Last evaluated: 2024-03-02. Review status: criteria provided, single submitter. Criteria: ACMG Guidelines, 2015. Collection method: clinical testing. Allele origin: germline. Inheritance: Autosomal recessive inheritance. Affected: yes. Observed: 1 homozygote.
Comment: A homozygous nonsense variant in exon 2 of the SPG11 gene that results in a stop codon and premature truncation of the protein at codon 89 (p.Trp89Ter) was detected. The observed variant has previously been reported in patients affected with hereditary spastic paraplegia [PMID: 27217339]. This variant has not been reported in the 1000 genomes, gnomAD (v3.1), gnomdAD (v2.1) and topmed databases. The in-silico prediction of the variant is damaging by MutationTaster2. The reference codon is conserved across mammals. In summary, the variant meets our criteria to be classified as pathogenic.

Genomic Research Center, Shahid Beheshti University of Medical Sciences
Classification: Pathogenic for Hereditary spastic paraplegia 11. Last evaluated: 2024-02-21. Review status: criteria provided, single submitter. Criteria: ACMG Guidelines, 2015. Collection method: clinical testing. Allele origin: inherited. Affected: yes. Observed: 1 homozygote.
Comment: This stop-gain variant(p.Trp89* ) is extremely rare in population databases. It is predicted to result in loss of function due to a truncating effect in a gene where loss of function is an established disease mechanism. In addition, this variant has been previously submitted to ClinVar and classified as pathogenic(VCV000041294.40), supporting its clinical relevance.

CeGaT Center for Human Genetics Tuebingen
Classification: Pathogenic. Last evaluated: 2024-02-01. Review status: criteria provided, single submitter. Criteria: CeGaT Center For Human Genetics Tuebingen Variant Classification Criteria Version 2. Collection method: clinical testing. Allele origin: germline. Affected: yes. Observed: 1 variant allele.
Comment: SPG11: PVS1, PM2, PM3

Labcorp Genetics (formerly Invitae), Labcorp
Classification: Pathogenic for Hereditary spastic paraplegia 11. Last evaluated: 2023-12-13. Review status: criteria provided, single submitter. Criteria: Invitae Variant Classification Sherloc (09022015). Collection method: clinical testing. Allele origin: germline.
Comment: This sequence change creates a premature translational stop signal (p.Trp89*) in the SPG11 gene. It is expected to result in an absent or disrupted protein product. Loss-of-function variants in SPG11 are known to be pathogenic (PMID: 19105190, 20110243, 22154821, 26556829). This variant is present in population databases (rs312262709, gnomAD 0.006%). This premature translational stop signal has been observed in individuals with hereditary spastic paraplegia or juvenile amyotrophic lateral sclerosis (PMID: 18067136, 20110243, 27217339). ClinVar contains an entry for this variant (Variation ID: 41294). For these reasons, this variant has been classified as Pathogenic.

Blueprint Genetics
Classification: Pathogenic for SPG11-related disorders. Last evaluated: 2023-09-11. Review status: criteria provided, single submitter. Criteria: ACMG Guidelines, 2015. Collection method: clinical testing. Allele origin: germline. Affected: yes. Observed: 4 variant alleles.

Foundation for Research in Genetics and Endocrinology, FRIGE's Institute of Human Genetics
Classification: Pathogenic for Hereditary spastic paraplegia 11. Last evaluated: 2022-09-23. Review status: criteria provided, single submitter. Criteria: ACMG Guidelines, 2015. Collection method: clinical testing. Allele origin: germline. Inheritance: Autosomal recessive inheritance. Affected: yes. Observed: 1 homozygote.
Comment: A homozygous nonsense variation in exon 2 of the SPG11 gene that results in a stop codon and premature truncation of the protein at codon 89 was detected . This variant has not been reported in the 1000 genomes and gnomAD databases . The in silico prediction# of the variant is damaging by MutationTaster2. The reference codon is conserved across species.

GeneDx
Classification: Pathogenic. Last evaluated: 2022-03-10. Review status: criteria provided, single submitter. Criteria: GeneDx Variant Classification Process June 2021. Collection method: clinical testing. Allele origin: germline. Affected: yes.
Comment: Nonsense variant predicted to result in protein truncation or nonsense mediated decay in a gene for which loss-of-function is a known mechanism of disease; Not observed at a significant frequency in large population cohorts (gnomAD); This variant is associated with the following publications: (PMID: 18717728, 26971897, 30574063, 20110243, 18067136)

Genome-Nilou Lab
Classification: Pathogenic for Hereditary spastic paraplegia 11. Review status: criteria provided, single submitter. Criteria: ACMG Guidelines, 2015. Collection method: clinical testing. Allele origin: germline.

Neuberg Centre For Genomic Medicine, NCGM
Classification: Pathogenic for Hereditary spastic paraplegia 11. Review status: criteria provided, single submitter. Criteria: ACMG Guidelines, 2015. Collection method: clinical testing. Allele origin: germline. Inheritance: Autosomal recessive inheritance. Affected: yes.
Comment: The stop gained variant c.267G>A (p.Trp89Ter) in SPG11 gene has been observed to be homozygous or in combination with another SPG11 variant in individuals affected with hereditary spastic paraplegia or juvenile amyotrophic lateral sclerosis (Orlacchio A et.al.,2010). This variant has been reported to the ClinVar database as Pathogenic. The variant is novel (not in any individuals) in 1000 Genomes and allele frequency of 0.0003982% is reported in gnomAD. Loss-of-function variants in SPG11 are known to be pathogenic. The nucleotide change in SPG11 is predicted as conserved by GERP++ and PhyloP across 100 vertebrates. For these reasons, this variant has been classified as Pathogenic .

Neuberg Centre For Genomic Medicine, NCGM
Classification: Pathogenic for Charcot-Marie-Tooth disease axonal type 2X. Review status: criteria provided, single submitter. Criteria: ACMG Guidelines, 2015. Collection method: clinical testing. Allele origin: germline. Inheritance: Autosomal recessive inheritance. Affected: yes.
Comment: The observed stop gained variant c.267G>A (p.Trp89Ter) in SPG11 gene has been reported in homozygous and compound heterozygous state in individuals affected with Charcot-Marie-Tooth disease (Montecchiani C et al. 2016). The p.Trp89Ter variant has allele frequency 0.0004% in gnomAD Exomes. This variant has been submitted to the ClinVar database as Pathogenic (multiple submitters). The nucleotide change c.267G>A in SPG11 is predicted as conserved by GERP++ and PhyloP across 100 vertebrates. Loss-of-function variants in SPG11 are known to be pathogenic (Denora PS et al. 2009). This variant is predicted to cause loss of normal protein function through protein truncation. For these reasons, this variant has been classified as Pathogenic.

OMIM
Classification: Pathogenic for AMYOTROPHIC LATERAL SCLEROSIS 5, JUVENILE. Last evaluated: 2010-02-01. Review status: no assertion criteria provided. Collection method: literature only. Allele origin: germline. Not counted in ClinVar's aggregate classification.

GeneReviews
No classification provided. Condition: Hereditary spastic paraplegia 11. Review status: no classification provided. Collection method: literature only. Allele origin: unknown. Not counted in ClinVar's aggregate classification.

Literature cited by the submitters: PubMed 35906604 (cited by Victorian Clinical Genetics Services, Murdoch Childrens Research Institute); PubMed 24794856 (cited by Genomic Research Center, Shahid Beheshti University of Medical Sciences); PubMed 30476097 (cited by Genomic Research Center, Shahid Beheshti University of Medical Sciences); PubMed 30574063 (cited by Genomic Research Center, Shahid Beheshti University of Medical Sciences); PubMed 19105190 (cited by Labcorp Genetics (formerly Invitae), Labcorp); PubMed 20110243 (cited by Labcorp Genetics (formerly Invitae), Labcorp and OMIM); PubMed 22154821 (cited by Labcorp Genetics (formerly Invitae), Labcorp); PubMed 26556829 (cited by Labcorp Genetics (formerly Invitae), Labcorp); PubMed 18067136 (cited by Labcorp Genetics (formerly Invitae), Labcorp and GeneReviews); PubMed 27217339 (cited by Labcorp Genetics (formerly Invitae), Labcorp); PubMed 18717728 (cited by GeneReviews); PubMed 20301389 (cited by GeneReviews); NCBI Bookshelf NBK1210 (cited by GeneReviews).

NM_025137.4(SPG11):c.267G>A (p.Trp89Ter)

Gene: SPG11 (SPG11 vesicle trafficking associated, spatacsin; minus strand). Cytogenetic location: 15q21.1.
Variant type: single nucleotide variant.
Coding change: c.267G>A on transcript NM_025137.4 (MANE Select); coding-DNA position 267, G replaced by A.
Protein change: p.Trp89Ter; replaces tryptophan 89 with a stop codon.
Molecular consequence: nonsense.
Genome position (GRCh38, 1-based): chr15:44,660,607, C>T on the plus strand (G>A on the coding strand, the complement: SPG11 is on the minus strand). VCF-style: chr15-44660607-C-T. GRCh37 (hg19) VCF-style: chr15-44952805-C-T.
Other names: p.Trp89Ter; c.267G>A, p.Trp89Ter (NM_001160227.2); short protein forms W89*.
Identifiers: ClinVar variation 41294 (VCV000041294.50), dbSNP rs312262709, ClinGen allele CA277361.